The following is an entry in ClinVar:

NM_001754.5(RUNX1):c.486G>C (p.Arg162Ser)

Genes: RUNX1 (RUNX family transcription factor 1; minus strand), RUNX1-AS1 (RUNX1 antisense RNA 1; plus strand). Cytogenetic location: 21q22.12.
Variant type: single nucleotide variant.
Coding change: c.486G>C on transcript NM_001754.5 (MANE Select); coding-DNA position 486, G replaced by C.
Protein change: p.Arg162Ser; replaces arginine 162 with serine.
Molecular consequence: missense variant.
Genome position (GRCh38, 1-based): chr21:34,880,579, C>G on the plus strand (G>C on the coding strand, the complement: RUNX1 is on the minus strand). VCF-style: chr21-34880579-C-G. GRCh37 (hg19) VCF-style: chr21-36252876-C-G.
Other names: NM_001754.5(RUNX1):c.486G>C; p.Arg162Ser; c.405G>C, p.Arg135Ser (NM_001001890.3, NM_001122607.2); short protein forms R162S, R135S.
Identifiers: ClinVar variation 376020 (VCV000376020.5), dbSNP rs1057519749, ClinGen allele CA16602489.
Genomic context (GRCh38, chr21:34,880,579, plus strand): 5'-GAAACGTGTTTCAAGCATAGTTTTGACAGATAACGTACCTCTTCCACTTCGACCGACAAA[C>G]CTGAGGTCATTAAATCTTGCAACCTGGTTCTTCATGGCTGCGGTAGCATTTCTCAGCTCA-3'
Protein context (NP_001745.2, residues 152-172): KNQVARFNDL[Arg162Ser]FVGRSGRGKS

ClinVar aggregate classification (germline): Uncertain significance (3 of 4 stars; one submission).

Conditions:
Hereditary thrombocytopenia and hematologic cancer predisposition syndrome. Identifiers: Orphanet 71290, MedGen CN281654, MONDO:0011071.

Submission:

ClinGen Myeloid Malignancy Variant Curation Expert Panel
Classification: Uncertain significance for Hereditary thrombocytopenia and hematologic cancer predisposition syndrome. Last evaluated: 2026-04-29. Review status: reviewed by expert panel. Criteria: ClinGen MyeloMalig ACMG Specifications V3.1. Collection method: curation. Allele origin: germline. Inheritance: Autosomal dominant inheritance.
Comment: NM_001754.5(RUNX1):c.486G>C (p.Arg162Ser) is a missense variant which affects one of the hotspot residues (R162) in the RHD (PM1_strong). This variant is completely absent from all population databases with at least 20x coverage for RUNX1 (PM2_supporting). In summary, the clinical significance of this variant is uncertain. ACMG/AMP criteria applied, as specified by the Myeloid Malignancy Variant Curation Expert Panel for RUNX1: PM1_strong, PM2_supporting.